The following is an entry in ClinVar:

NM_000257.4(MYH7):c.2100G>T (p.Glu700Asp)

Gene: MYH7 (myosin heavy chain 7; minus strand). Cytogenetic location: 14q11.2.
Variant type: single nucleotide variant.
Coding change: c.2100G>T on transcript NM_000257.4 (MANE Select); coding-DNA position 2100, G replaced by T.
Protein change: p.Glu700Asp; replaces glutamic acid 700 with aspartic acid.
Molecular consequence: missense variant.
Genome position (GRCh38, 1-based): chr14:23,426,026, C>A on the plus strand (G>T on the coding strand, the complement: MYH7 is on the minus strand). VCF-style: chr14-23426026-C-A. GRCh37 (hg19) VCF-style: chr14-23895235-C-A.
Other names: c.2100G>T, p.Glu700Asp (NM_001407004.1); short protein forms E700D.
Identifiers: ClinVar variation 4114874 (VCV004114874.1).

ClinVar aggregate classification (germline): Uncertain significance (1 of 4 stars; one submission).

Conditions:
Cardiovascular phenotype. Identifiers: MedGen CN230736.

Submission:

Ambry Genetics
Classification: Uncertain significance for Cardiovascular phenotype. Last evaluated: 2025-06-24. Review status: criteria provided, single submitter. Criteria: Ambry Variant Classification Scheme 2023. Collection method: clinical testing. Allele origin: germline.
Comment: The p.E700D variant (also known as c.2100G>T), located in coding exon 17 of the MYH7 gene, results from a G to T substitution at nucleotide position 2100. The glutamic acid at codon 700 is replaced by aspartic acid, an amino acid with highly similar properties. This alteration is located in the myosin head domain, which contains a statistically significant clustering of pathogenic missense variants (Homburger JR et al. Proc Natl Acad Sci U S A, 2016 06;113:6701-6; Walsh R et al. Genet Med, 2017 02;19:192-203; Ambry internal data). This amino acid position is highly conserved in available vertebrate species. In addition, this alteration is predicted to be deleterious by in silico analysis. Based on the available evidence, the clinical significance of this variant remains unclear.